The following is an entry in ClinVar:

ClinVar aggregate classification (germline): Uncertain significance (1 of 4 stars; one submission).

Conditions:
PLXNA4-related disorder. Also called: PLXNA4-related condition.

gnomAD v4.1: 38 of 1,613,778 alleles (0.0024%); highest among the groups gnomAD compares: Non-Finnish European, 0.003%; no homozygotes.

Submission:

PreventionGenetics, part of Exact Sciences
Classification: Uncertain significance for PLXNA4-related condition. Last evaluated: 2026-02-27. Review status: criteria provided, single submitter. Criteria: ACMG Guidelines, 2015. Collection method: clinical testing. Allele origin: germline.
Comment: The PLXNA4 c.4861T>C variant is predicted to result in the amino acid substitution p.Tyr1621His. To our knowledge, this variant has not been reported in the literature. This variant is reported in 0.0062% of alleles in individuals of European (Non-Finnish) descent in gnomAD. At this time, the clinical significance of this variant is uncertain due to the absence of conclusive functional and genetic evidence.

NM_020911.2(PLXNA4):c.4861T>C (p.Tyr1621His)

Gene: PLXNA4 (plexin A4; minus strand). Cytogenetic location: 7q32.3.
Variant type: single nucleotide variant.
Coding change: c.4861T>C on transcript NM_020911.2 (MANE Select); coding-DNA position 4861, T replaced by C.
Protein change: p.Tyr1621His; replaces tyrosine 1621 with histidine.
Molecular consequence: missense variant.
Genome position (GRCh38, 1-based): chr7:132,147,903, A>G on the plus strand (T>C on the coding strand, the complement: PLXNA4 is on the minus strand). VCF-style: chr7-132147903-A-G. GRCh37 (hg19) VCF-style: chr7-131832662-A-G.
Other names: c.4861T>C, p.Tyr1621His (NM_001393897.1); short protein forms Y1621H.
Identifiers: ClinVar variation 4998095 (VCV004998095.1).